The following is an entry in ClinVar:

GRCh38/hg38 15q24.3-25.1(chr15:77640317-78459174)x3

Genes: ACSBG1 (acyl-CoA synthetase bubblegum family member 1; minus strand), CIB2 (calcium and integrin binding family member 2; minus strand), CRABP1 (cellular retinoic acid binding protein 1; plus strand), DNAJA4 (DnaJ heat shock protein family (Hsp40) member A4; plus strand), DNAJA4-DT (DNAJA4 divergent transcript; minus strand) and 44 more. Cytogenetic location: 15q24.3-25.1.
Variant type: copy number gain.
Change: copy number 3 (three copies instead of two) of chr15:77,640,317-78,459,174 (818.9 kb, GRCh38 coordinates, 1-based), cytogenetic band 15q24.3-25.1.
Identifiers: ClinVar variation 57247 (VCV000057247.1).

ClinVar aggregate classification (germline): Uncertain significance (1 of 4 stars; one submission).

Submission:

ISCA site 4
Classification: Uncertain significance. Last evaluated: 2011-08-12. Review status: criteria provided, single submitter. Criteria: Kaminsky et al. (Genet Med. 2011). Collection method: clinical testing. Allele origin: unknown. Affected: yes. Observed: 1 variant allele.
Comment: Copy number variation identified through the course of routine clinical cytogenomic testing in postnatal populations. Clinical assertions have been curated as described in Kaminsky et al. 2011.